The following is an entry in ClinVar:

ClinVar aggregate classification (germline): Likely benign. Review status: criteria provided, multiple submitters, no conflicts (2 of 4 stars). 2 submissions from 2 submitters: Likely benign (2). Last evaluated 2026-02-01.

Conditions:
Nemaline myopathy 8 (NEM8). Also called: Nemaline myopathy 8, autosomal recessive. Identifiers: Orphanet 171430, MedGen C3809209, MONDO:0014138, OMIM 615348.

Allele frequency attached by ClinVar (database versions not stated): TOPMed 0.00004; ExAC 0.00007; gnomAD exomes 0.00011 and 0.00003; gnomAD 0.00001.
gnomAD v4.1: 50 of 1,613,690 alleles (0.0031%); highest among the groups gnomAD compares: Admixed American, 0.043%; no homozygotes.

Submissions (2):

Labcorp Genetics (formerly Invitae), Labcorp
Classification: Likely benign for Nemaline myopathy 8. Last evaluated: 2026-02-01. Review status: criteria provided, single submitter. Criteria: Invitae Variant Classification Sherloc (09022015). Collection method: clinical testing. Allele origin: germline.

GeneDx
Classification: Likely benign. Last evaluated: 2017-09-06. Review status: criteria provided, single submitter. Criteria: GeneDx Variant Classification (06012015). Collection method: clinical testing. Allele origin: germline. Affected: yes.
Comment: This variant is considered likely benign or benign based on one or more of the following criteria: it is a conservative change, it occurs at a poorly conserved position in the protein, it is predicted to be benign by multiple in silico algorithms, and/or has population frequency not consistent with disease.

NM_152393.4(KLHL40):c.1200G>A (p.Ser400=)

Gene: KLHL40 (kelch like family member 40; plus strand). Cytogenetic location: 3p22.1.
Variant type: single nucleotide variant.
Coding change: c.1200G>A on transcript NM_152393.4 (MANE Select); coding-DNA position 1200, G replaced by A.
Protein change: p.Ser400=; no amino-acid change (serine 400 retained).
Molecular consequence: synonymous variant.
Genome position (GRCh38, 1-based): chr3:42,688,189, G>A. VCF-style: chr3-42688189-G-A. GRCh37 (hg19) VCF-style: chr3-42729681-G-A.
Identifiers: ClinVar variation 391222 (VCV000391222.7), dbSNP rs759134022, ClinGen allele CA2336856.
Genomic context (GRCh38, chr3:42,688,189, plus strand): 5'-ACCTGGCCTGCAGTTTGACCATCTGGACTCAGAGTGGCTGGGGATGCCACCGCTGCCCTC[G>A]CCCCGCTGCCTCTTTGGCCTGGGAGAAGCTCTCAACTCCATCTACGTGGTCGGTGGCAGA-3'
Protein context (NP_689606.2, residues 390-410): SEWLGMPPLP[Ser400=]PRCLFGLGEA